The following is an entry in ClinVar:

NM_002539.3(ODC1):c.1386G>C (p.Ter462Tyr)

Gene: ODC1 (ornithine decarboxylase 1; minus strand). Cytogenetic location: 2p25.1.
Variant type: single nucleotide variant.
Coding change: c.1386G>C on transcript NM_002539.3 (MANE Select); coding-DNA position 1386, G replaced by C.
Protein change: p.Ter462Tyr.
Molecular consequence: stop lost.
Genome position (GRCh38, 1-based): chr2:10,440,724, C>G on the plus strand (G>C on the coding strand, the complement: ODC1 is on the minus strand). VCF-style: chr2-10440724-C-G. GRCh37 (hg19) VCF-style: chr2-10580850-C-G.
Other names: c.999G>C, p.Ter333Tyr (NM_001287188.2); c.1386G>C, p.Ter462Tyr (NM_001287189.2, NM_001287190.2).
Identifiers: ClinVar variation 3366234 (VCV003366234.1).

ClinVar aggregate classification (germline): Uncertain significance (1 of 4 stars; one submission).

gnomAD v4.1: 1 of 1,613,650 alleles (0.000062%); highest among the groups gnomAD compares: Non-Finnish European, 0.000085%; no homozygotes.

Submission:

GeneDx
Classification: Uncertain significance. Last evaluated: 2023-10-30. Review status: criteria provided, single submitter. Criteria: GeneDx Variant Classification Process June 2021. Collection method: clinical testing. Allele origin: germline. Affected: yes.
Comment: Stop codon loss and change to a tyrosine codon, leading to protein extension and the addition of 5 amino acids at the C-terminus; Not observed at significant frequency in large population cohorts (gnomAD); Has not been previously published as pathogenic or benign to our knowledge